The following is an entry in ClinVar:

ClinVar aggregate classification (germline): Pathogenic (1 of 4 stars; one submission).

gnomAD v4.1: 7 of 1,614,042 alleles (0.00043%); highest among the groups gnomAD compares: East Asian, 0.0022%; no homozygotes.

Submission:

Labcorp Genetics (formerly Invitae), Labcorp
Classification: Pathogenic. Last evaluated: 2024-11-11. Review status: criteria provided, single submitter. Criteria: Invitae Variant Classification Sherloc (09022015). Collection method: clinical testing. Allele origin: germline.
Comment: This sequence change creates a premature translational stop signal (p.Arg857*) in the DSG1 gene. While this is not anticipated to result in nonsense mediated decay, it is expected to disrupt the last 193 amino acid(s) of the DSG1 protein. This variant is present in population databases (no rsID available, gnomAD 0.0009%). This premature translational stop signal has been observed in individual(s) with primary immunodeficiencies (PMID: 31681265). This variant disrupts a region of the DSG1 protein in which other variant(s) (p.R887*) have been determined to be pathogenic (PMID: 25041099, 29604126). This suggests that this is a clinically significant region of the protein, and that variants that disrupt it are likely to be disease-causing. For these reasons, this variant has been classified as Pathogenic.

Literature cited by the submitters: PubMed 31681265; PubMed 25041099; PubMed 29604126.

NM_001942.4(DSG1):c.2569C>T (p.Arg857Ter)

Genes: DSG1 (desmoglein 1; plus strand), DSG1-AS1 (DSG1 antisense RNA 1; minus strand), LOC126862720 (MED14-independent group 3 enhancer GRCh37_chr18:28933613-28934812; plus strand). Cytogenetic location: 18q12.1.
Variant type: single nucleotide variant.
Coding change: c.2569C>T on transcript NM_001942.4 (MANE Select); coding-DNA position 2569, C replaced by T.
Protein change: p.Arg857Ter; replaces arginine 857 with a stop codon.
Molecular consequence: nonsense.
Genome position (GRCh38, 1-based): chr18:31,354,765, C>T. VCF-style: chr18-31354765-C-T. GRCh37 (hg19) VCF-style: chr18-28934728-C-T.
Other names: short protein forms R857*.
Identifiers: ClinVar variation 3609776 (VCV003609776.2).
Genomic context (GRCh38, chr18:31,354,765, plus strand): 5'-GTGACCGAGTCTTACACCACCTCTGACACTCTGAAGCCCTCTGTGCACGTTCACGATAAC[C>T]GACCAGCATCAAACGTGGTAGTGACAGAGAGAGTGGTCGGCCCAATCTCTGGCGCTGATT-3'